The following is an entry in ClinVar:

ClinVar aggregate classification (germline): Benign. Review status: criteria provided, multiple submitters, no conflicts (2 of 4 stars). 3 submissions from 3 submitters: Benign (2). 1 of the submissions does not count toward it. Last evaluated 2026-01-12.

Conditions:
Vesicoureteral reflux 2 (VUR2). Identifiers: Orphanet 289365, MedGen C1970483, MONDO:0012573, OMIM 610878.
ROBO2-related disorder. Also called: ROBO2-related condition.

Allele frequency attached by ClinVar (database versions not stated): gnomAD exomes 0.00015 and 0.00058; gnomAD 0.00019 and 0.00030; TOPMed 0.00031; ExAC 0.00053; 1000 Genomes Project 30x 0.00156; 1000 Genomes Project 0.00160.
gnomAD v4.1: 261 of 1,613,572 alleles (0.016%); highest among the groups gnomAD compares: East Asian, 0.44%; 1 homozygote.

Submissions (3):

Labcorp Genetics (formerly Invitae), Labcorp
Classification: Benign. Last evaluated: 2026-01-12. Review status: criteria provided, single submitter. Criteria: Invitae Variant Classification Sherloc (09022015). Collection method: clinical testing. Allele origin: germline.

Illumina Laboratory Services, Illumina
Classification: Benign for Vesicoureteral reflux 2. Last evaluated: 2018-01-13. Review status: criteria provided, single submitter. Criteria: ICSL Variant Classification Criteria 13 December 2019. Collection method: clinical testing. Allele origin: germline.
Comment: This variant was observed in the ICSL laboratory as part of a predisposition screen in an ostensibly healthy population. It had not been previously curated by ICSL or reported in the Human Gene Mutation Database (HGMD: prior to June 1st, 2018), and was therefore a candidate for classification through an automated scoring system. Utilizing variant allele frequency, disease prevalence and penetrance estimates, and inheritance mode, an automated score was calculated to assess if this variant is too frequent to cause the disease. Based on the score and internal cut-off values, a variant classified as benign is not then subjected to further curation. The score for this variant resulted in a classification of benign for this disease.

PreventionGenetics, part of Exact Sciences
Classification: Benign for ROBO2-related condition. Last evaluated: 2023-12-15. Review status: no assertion criteria provided. Collection method: clinical testing. Allele origin: germline. Not counted in ClinVar's aggregate classification.
Comment: This variant is classified as benign based on ACMG/AMP sequence variant interpretation guidelines (Richards et al. 2015 PMID: 25741868, with internal and published modifications).

NM_001395656.1(ROBO2):c.1751A>G (p.Tyr584Cys)

Gene: ROBO2 (roundabout guidance receptor 2; plus strand). Cytogenetic location: 3p12.3.
Variant type: single nucleotide variant.
Coding change: c.1751A>G on transcript NM_001395656.1 (MANE Select); coding-DNA position 1751, A replaced by G.
Protein change: p.Tyr584Cys; replaces tyrosine 584 with cysteine.
Molecular consequence: missense variant. On other transcripts: 5 prime UTR variant (1).
Genome position (GRCh38, 1-based): chr3:77,565,010, A>G. VCF-style: chr3-77565010-A-G. GRCh37 (hg19) VCF-style: chr3-77614161-A-G.
Other names: c.1751A>G, p.Tyr584Cys (NM_001290040.2, NM_001378202.1, NM_001290039.2); c.-41A>G (NM_001290065.2); c.1799A>G, p.Tyr600Cys (NM_001378190.1, NM_001378191.1, NM_001378195.1 and 4 more transcripts); c.1820A>G, p.Tyr607Cys (NM_001378192.1, NM_001378194.1, NM_001378198.1 and 2 more transcripts); c.1739A>G, p.Tyr580Cys (NM_001378193.1, NM_001378197.1, NM_002942.5); c.1808A>G, p.Tyr603Cys (NM_001394212.1, NM_001394214.1, NM_001395657.1); c.1787A>G, p.Tyr596Cys (NM_001128929.3); short protein forms Y580C, Y596C, Y584C, Y600C, Y607C, Y603C.
Identifiers: ClinVar variation 899727 (VCV000899727.11), dbSNP rs149389279, ClinGen allele CA2497141.